The following is an entry in ClinVar:

ClinVar aggregate classification (germline): Uncertain significance (1 of 4 stars; one submission).

Allele frequency attached by ClinVar (database versions not stated): gnomAD exomes below 0.00001.
gnomAD v4.1: 1 of 1,614,094 alleles (0.000062%); highest among the groups gnomAD compares: Non-Finnish European, 0.000085%; no homozygotes.

Submission:

Labcorp Genetics (formerly Invitae), Labcorp
Classification: Uncertain significance. Last evaluated: 2024-10-28. Review status: criteria provided, single submitter. Criteria: Invitae Variant Classification Sherloc (09022015). Collection method: clinical testing. Allele origin: germline.
Comment: This sequence change replaces proline, which is neutral and non-polar, with leucine, which is neutral and non-polar, at codon 993 of the EIF2AK3 protein (p.Pro993Leu). This variant is not present in population databases (gnomAD no frequency). This variant has not been reported in the literature in individuals affected with EIF2AK3-related conditions. ClinVar contains an entry for this variant (Variation ID: 1361641). An algorithm developed to predict the effect of missense changes on protein structure and function (PolyPhen-2) suggests that this variant is likely to be disruptive. In summary, the available evidence is currently insufficient to determine the role of this variant in disease. Therefore, it has been classified as a Variant of Uncertain Significance.

NM_004836.7(EIF2AK3):c.2978C>T (p.Pro993Leu)

Genes: EIF2AK3 (eukaryotic translation initiation factor 2 alpha kinase 3; minus strand), EIF2AK3-AS1 (EIF2AK3 antisense RNA 1; plus strand). Cytogenetic location: 2p11.2.
Variant type: single nucleotide variant.
Coding change: c.2978C>T on transcript NM_004836.7 (MANE Select); coding-DNA position 2978, C replaced by T.
Protein change: p.Pro993Leu; replaces proline 993 with leucine.
Molecular consequence: missense variant.
Genome position (GRCh38, 1-based): chr2:88,570,881, G>A on the plus strand (C>T on the coding strand, the complement: EIF2AK3 is on the minus strand). VCF-style: chr2-88570881-G-A. GRCh37 (hg19) VCF-style: chr2-88870399-G-A.
Other names: c.2525C>T, p.Pro842Leu (NM_001313915.2); short protein forms P842L, P993L.
Identifiers: ClinVar variation 1361641 (VCV001361641.8), dbSNP rs2104403206, ClinGen allele CA347586911.
Genomic context (GRCh38, chr2:88,570,881, plus strand): 5'-TTCATCAGGTACATCTGCTGCTGTGCTAGTAAGTAAAGGTCTGAAAAACTCACCTGCTCT[G>A]GGCTCATATACAGTTTGGTCCCTACTTGTCCTGTGTGTCTGGCATAAGCTGGCATTGGGG-3'
Protein context (NP_004827.4, residues 983-1003): GQVGTKLYMS[Pro993Leu]EQIHGNSYSH